The following is an entry in ClinVar:

ClinVar aggregate classification (germline): Uncertain significance (1 of 4 stars; one submission).

Conditions:
Familial infantile myasthenia (CMS6). Also called: MYASTHENIC SYNDROME, PRESYNAPTIC, CONGENITAL, ASSOCIATED WITH EPISODIC APNEA; MYASTHENIC SYNDROME, CONGENITAL, 6, PRESYNAPTIC; Congenital myasthenic syndrome type 6. Identifiers: Orphanet 590, MedGen C0393929, MONDO:0009689, OMIM 254210.

Allele frequency attached by ClinVar (database versions not stated): gnomAD 0.00003; gnomAD exomes 0.00004; ESP Exome Variant Server 0.00008; ExAC 0.00010; 1000 Genomes Project 0.00020; 1000 Genomes Project 30x 0.00031.
gnomAD v4.1: 63 of 1,611,896 alleles (0.0039%); highest among the groups gnomAD compares: South Asian, 0.0022%; no homozygotes.

Submission:

Labcorp Genetics (formerly Invitae), Labcorp
Classification: Uncertain significance for Familial infantile myasthenia. Last evaluated: 2022-05-12. Review status: criteria provided, single submitter. Criteria: Invitae Variant Classification Sherloc (09022015). Collection method: clinical testing. Allele origin: germline.
Comment: This sequence change replaces glycine, which is neutral and non-polar, with serine, which is neutral and polar, at codon 284 of the CHAT protein (p.Gly284Ser). This variant is present in population databases (rs146236256, gnomAD 0.05%). This variant has not been reported in the literature in individuals affected with CHAT-related conditions. Algorithms developed to predict the effect of missense changes on protein structure and function (SIFT, PolyPhen-2, Align-GVGD) all suggest that this variant is likely to be disruptive. Algorithms developed to predict the effect of sequence changes on RNA splicing suggest that this variant may disrupt the consensus splice site. In summary, the available evidence is currently insufficient to determine the role of this variant in disease. Therefore, it has been classified as a Variant of Uncertain Significance.

NM_020549.5(CHAT):c.850G>A (p.Gly284Ser)

Gene: CHAT (choline O-acetyltransferase; plus strand). Cytogenetic location: 10q11.23.
Variant type: single nucleotide variant.
Coding change: c.850G>A on transcript NM_020549.5 (MANE Select); coding-DNA position 850, G replaced by A.
Protein change: p.Gly284Ser; replaces glycine 284 with serine.
Molecular consequence: missense variant.
Genome position (GRCh38, 1-based): chr10:49,625,570, G>A. VCF-style: chr10-49625570-G-A. GRCh37 (hg19) VCF-style: chr10-50833616-G-A.
Other names: c.496G>A, p.Gly166Ser (NM_001142929.2, NM_001142934.2, NM_020984.4 and 2 more transcripts); c.604G>A, p.Gly202Ser (NM_001142933.2); short protein forms G166S, G202S, G284S.
Identifiers: ClinVar variation 2140584 (VCV002140584.1), dbSNP rs146236256, ClinGen allele CA5497283.